The following is an entry in ClinVar:

ClinVar aggregate classification (germline): Uncertain significance. Review status: criteria provided, multiple submitters, no conflicts (2 of 4 stars). 2 submissions from 2 submitters: Uncertain significance (2). Last evaluated 2025-01-08.

Conditions:
Hereditary cancer-predisposing syndrome. Also called: Tumor predisposition; Neoplastic Syndromes, Hereditary; Hereditary Cancer Syndrome; Hereditary neoplastic syndrome. Identifiers: Orphanet 140162, MedGen C0027672, MeSH D009386, MONDO:0015356.
Gorlin syndrome. Also called: Nevoid Basal Cell Carcinoma Syndrome; Basal cell nevus syndrome. Identifiers: Orphanet 377, MedGen C0004779, MONDO:0007187.

gnomAD v4.1: 5 of 1,614,192 alleles (0.00031%); highest among the groups gnomAD compares: Non-Finnish European, 0.00042%; no homozygotes.

Submissions (2):

Ambry Genetics
Classification: Uncertain significance for Hereditary cancer-predisposing syndrome. Last evaluated: 2025-01-08. Review status: criteria provided, single submitter. Criteria: Ambry Variant Classification Scheme 2023. Collection method: clinical testing. Allele origin: germline.
Comment: The p.F434L variant (also known as c.1302C>A), located in coding exon 9 of the PTCH1 gene, results from a C to A substitution at nucleotide position 1302. The phenylalanine at codon 434 is replaced by leucine, an amino acid with highly similar properties. This amino acid position is conserved. In addition, this alteration is predicted to be deleterious by in silico analysis. Since supporting evidence is limited at this time, the clinical significance of this alteration remains unclear.

Labcorp Genetics (formerly Invitae), Labcorp
Classification: Uncertain significance for Gorlin syndrome. Last evaluated: 2022-10-25. Review status: criteria provided, single submitter. Criteria: Invitae Variant Classification Sherloc (09022015). Collection method: clinical testing. Allele origin: germline.
Comment: This sequence change replaces phenylalanine, which is neutral and non-polar, with leucine, which is neutral and non-polar, at codon 434 of the PTCH1 protein (p.Phe434Leu). This variant is not present in population databases (gnomAD no frequency). This variant has not been reported in the literature in individuals affected with PTCH1-related conditions. Advanced modeling of protein sequence and biophysical properties (such as structural, functional, and spatial information, amino acid conservation, physicochemical variation, residue mobility, and thermodynamic stability) performed at Invitae indicates that this missense variant is not expected to disrupt PTCH1 protein function. In summary, the available evidence is currently insufficient to determine the role of this variant in disease. Therefore, it has been classified as a Variant of Uncertain Significance.

NM_000264.5(PTCH1):c.1302C>A (p.Phe434Leu)

Gene: PTCH1 (patched 1; minus strand). Cytogenetic location: 9q22.32.
Variant type: single nucleotide variant.
Coding change: c.1302C>A on transcript NM_000264.5 (MANE Select); coding-DNA position 1302, C replaced by A.
Protein change: p.Phe434Leu; replaces phenylalanine 434 with leucine.
Molecular consequence: missense variant. On other transcripts: non-coding transcript variant (1).
Genome position (GRCh38, 1-based): chr9:95,478,100, G>T on the plus strand (C>A on the coding strand, the complement: PTCH1 is on the minus strand). VCF-style: chr9-95478100-G-T. GRCh37 (hg19) VCF-style: chr9-98240382-G-T.
Other names: c.1104C>A, p.Phe368Leu (NM_001083602.3); c.1299C>A, p.Phe433Leu (NM_001083603.3); c.849C>A, p.Phe283Leu (NM_001083604.3, NM_001083605.3, NM_001083606.3 and 1 more transcripts); c.1302C>A, p.Phe434Leu (NM_001354918.2); short protein forms F368L, F434L, F283L, F433L.
Identifiers: ClinVar variation 1769431 (VCV001769431.8), dbSNP rs2118332323, ClinGen allele CA374118791.